The following is an entry in ClinVar:

NM_052947.4(ALPK2):c.304G>T (p.Val102Phe)

Gene: ALPK2 (alpha kinase 2; minus strand). Cytogenetic location: 18q21.31.
Variant type: single nucleotide variant.
Coding change: c.304G>T on transcript NM_052947.4 (MANE Select); coding-DNA position 304, G replaced by T.
Protein change: p.Val102Phe; replaces valine 102 with phenylalanine.
Molecular consequence: missense variant.
Genome position (GRCh38, 1-based): chr18:58,580,472, C>A on the plus strand (G>T on the coding strand, the complement: ALPK2 is on the minus strand). VCF-style: chr18-58580472-C-A. GRCh37 (hg19) VCF-style: chr18-56247704-C-A.
Other names: short protein forms V102F.
Identifiers: ClinVar variation 3228666 (VCV003228666.1), dbSNP rs752603625, ClinGen allele CA8977473.

ClinVar aggregate classification (germline): Uncertain significance (1 of 4 stars; one submission).

gnomAD v4.1: 1 of 1,614,112 alleles (0.000062%); highest among the groups gnomAD compares: South Asian, 0.0011%; no homozygotes.

Submission:

Ambry Genetics
Classification: Uncertain significance. Last evaluated: 2023-09-30. Review status: criteria provided, single submitter. Criteria: Ambry Variant Classification Scheme 2023. Collection method: clinical testing. Allele origin: germline.
Comment: The p.V102F variant (also known as c.304G>T), located in coding exon 3 of the ALPK2 gene, results from a G to T substitution at nucleotide position 304. The valine at codon 102 is replaced by phenylalanine, an amino acid with highly similar properties. This amino acid position is conserved. In addition, this alteration is predicted to be tolerated by in silico analysis. Since supporting evidence is limited at this time, the clinical significance of this alteration remains unclear.